The following is an entry in ClinVar:

ClinVar aggregate classification (germline): Likely benign. Review status: criteria provided, multiple submitters, no conflicts (2 of 4 stars). 2 submissions from 2 submitters: Likely benign (2). Last evaluated 2025-02-05.

Conditions:
POLD1-related polyposis and colorectal cancer syndrome (CRCS10). Also called: Colorectal cancer 10; COLORECTAL CANCER, SUSCEPTIBILITY TO, ON CHROMOSOME 19q; Colorectal cancer, susceptibility to, 10. Identifiers: Orphanet 220460, MedGen C2675481, MONDO:0012953, OMIM 612591.

Submissions (2):

Myriad Genetics, Inc.
Classification: Likely benign for POLD1-related polyposis and colorectal cancer syndrome. Last evaluated: 2025-02-05. Review status: criteria provided, single submitter. Criteria: Myriad Autosomal Dominant, Autosomal Recessive and X-Linked Classification Criteria (2023). Collection method: clinical testing. Allele origin: unknown.
Comment: This variant is considered likely benign. This variant is intronic and is not expected to impact mRNA splicing.

Labcorp Genetics (formerly Invitae), Labcorp
Classification: Likely benign for POLD1-related polyposis and colorectal cancer syndrome. Last evaluated: 2024-12-24. Review status: criteria provided, single submitter. Criteria: Invitae Variant Classification Sherloc (09022015). Collection method: clinical testing. Allele origin: germline.

NM_002691.4(POLD1):c.1243-15G>A

Gene: POLD1 (DNA polymerase delta 1, catalytic subunit; plus strand). Cytogenetic location: 19q13.33.
Variant type: single nucleotide variant.
Coding change: c.1243-15G>A on transcript NM_002691.4 (MANE Select); 15 bases into the intron before coding-DNA position 1243, G replaced by A.
Molecular consequence: intron variant.
Genome position (GRCh38, 1-based): chr19:50,406,167, G>A. VCF-style: chr19-50406167-G-A. GRCh37 (hg19) VCF-style: chr19-50909424-G-A.
Other names: c.1243-15G>A (NM_001256849.1, NM_001308632.1).
Identifiers: ClinVar variation 1580918 (VCV001580918.9), dbSNP rs3218763, ClinGen allele CA9596089.